The following is an entry in ClinVar:

NM_000153.4(GALC):c.1592G>T (p.Arg531Leu)

Gene: GALC (galactosylceramidase; minus strand). Cytogenetic location: 14q31.3.
Variant type: single nucleotide variant.
Coding change: c.1592G>T on transcript NM_000153.4 (MANE Select); coding-DNA position 1592, G replaced by T.
Protein change: p.Arg531Leu; replaces arginine 531 with leucine.
Molecular consequence: missense variant.
Genome position (GRCh38, 1-based): chr14:87,945,631, C>A on the plus strand (G>T on the coding strand, the complement: GALC is on the minus strand). VCF-style: chr14-87945631-C-A. GRCh37 (hg19) VCF-style: chr14-88411975-C-A.
Other names: c.1523G>T, p.Arg508Leu (NM_001201401.2); c.1514G>T, p.Arg505Leu (NM_001201402.2); short protein forms R508L, R531L, R505L.
Identifiers: ClinVar variation 1345348 (VCV001345348.8), dbSNP rs200378205, ClinGen allele CA390746115.

ClinVar aggregate classification (germline): Likely pathogenic (1 of 4 stars; one submission).

Conditions:
Galactosylceramide beta-galactosidase deficiency. Also called: Krabbe Disease; Leukodystrophy, Globoid Cell; GALACTOCEREBROSIDASE DEFICIENCY; GALC DEFICIENCY; GLOBOID CELL LEUKOENCEPHALOPATHY. Identifiers: Orphanet 487, MedGen C0023521, MONDO:0009499, OMIM 245200.

gnomAD v4.1: 4 of 1,610,354 alleles (0.00025%); highest among the groups gnomAD compares: Non-Finnish European, 0.00034%; no homozygotes.

Submission:

Labcorp Genetics (formerly Invitae), Labcorp
Classification: Likely pathogenic for Galactosylceramide beta-galactosidase deficiency. Last evaluated: 2023-03-29. Review status: criteria provided, single submitter. Criteria: Invitae Variant Classification Sherloc (09022015). Collection method: clinical testing. Allele origin: germline.
Comment: In summary, the currently available evidence indicates that the variant is pathogenic, but additional data are needed to prove that conclusively. Therefore, this variant has been classified as Likely Pathogenic. This variant disrupts the p.Arg531 amino acid residue in GALC. Other variant(s) that disrupt this residue have been determined to be pathogenic (PMID: 9338580, 17824908, 27638593, 30777126). This suggests that this residue is clinically significant, and that variants that disrupt this residue are likely to be disease-causing. Advanced modeling of protein sequence and biophysical properties (such as structural, functional, and spatial information, amino acid conservation, physicochemical variation, residue mobility, and thermodynamic stability) performed at Invitae indicates that this missense variant is expected to disrupt GALC protein function. ClinVar contains an entry for this variant (Variation ID: 1345348). This variant has not been reported in the literature in individuals affected with GALC-related conditions. This variant is not present in population databases (gnomAD no frequency). This sequence change replaces arginine, which is basic and polar, with leucine, which is neutral and non-polar, at codon 531 of the GALC protein (p.Arg531Leu).

Literature cited by the submitters: PubMed 9338580; PubMed 17824908; PubMed 27638593; PubMed 30777126.